The following is an entry in ClinVar:

NM_001377.3(DYNC2H1):c.3302+1G>T

Gene: DYNC2H1 (dynein cytoplasmic 2 heavy chain 1; plus strand). Cytogenetic location: 11q22.3.
Variant type: single nucleotide variant.
Coding change: c.3302+1G>T on transcript NM_001377.3 (MANE Select); the canonical splice donor site of the intron after coding-DNA position 3302, G replaced by T.
Molecular consequence: splice donor variant.
Genome position (GRCh38, 1-based): chr11:103,153,509, G>T. VCF-style: chr11-103153509-G-T. GRCh37 (hg19) VCF-style: chr11-103024238-G-T.
Other names: c.3302+1G>T (NM_001080463.2).
Identifiers: ClinVar variation 2750276 (VCV002750276.4), dbSNP rs1860669125, ClinGen allele CA382272500.

ClinVar aggregate classification (germline): Likely pathogenic. Review status: criteria provided, multiple submitters, no conflicts (2 of 4 stars). 2 submissions from 2 submitters: Likely pathogenic (2). Last evaluated 2025-01-15.

Conditions:
Asphyxiating thoracic dystrophy 3. Also called: SHORT-RIB THORACIC DYSPLASIA 3 WITH OR WITHOUT POLYDACTYLY; POLYDACTYLY WITH NEONATAL CHONDRODYSTROPHY, TYPE I; SHORT-RIB THORACIC DYSPLASIA 3/6 WITH POLYDACTYLY, DIGENIC; Short rib polydactyly syndrome 2B; Saldino-Noonan Syndrome. Identifiers: Orphanet 474, Orphanet 93269, Orphanet 93270, Orphanet 93271, MedGen C0036069, MONDO:0013127, OMIM 613091.
Jeune thoracic dystrophy. Also called: Jeune syndrome; Infantile thoracic dystrophy; Thoracic pelvic phalangeal dystrophy; Jeune's syndrome; Chondroectodermal dysplasia-like syndrome; Short-rib thoracic dysplasia. Identifiers: Orphanet 474, MedGen C0265275, MONDO:0018770.

Submissions (2):

Institute of Medical Genetics and Applied Genomics, University Hospital Tübingen
Classification: Likely pathogenic for Asphyxiating thoracic dystrophy 3. Last evaluated: 2025-01-15. Review status: criteria provided, single submitter. Criteria: ACMG Guidelines, 2015. Collection method: clinical testing. Allele origin: germline. Inheritance: Autosomal recessive inheritance. Affected: yes.

Labcorp Genetics (formerly Invitae), Labcorp
Classification: Likely pathogenic for Jeune thoracic dystrophy. Last evaluated: 2023-12-12. Review status: criteria provided, single submitter. Criteria: Invitae Variant Classification Sherloc (09022015). Collection method: clinical testing. Allele origin: germline.
Comment: This sequence change affects a donor splice site in intron 22 of the DYNC2H1 gene. It is expected to disrupt RNA splicing. Variants that disrupt the donor or acceptor splice site typically lead to a loss of protein function (PMID: 16199547), and loss-of-function variants in DYNC2H1 are known to be pathogenic (PMID: 23339108, 32753734, 33755199). This variant is not present in population databases (gnomAD no frequency). This variant has not been reported in the literature in individuals affected with DYNC2H1-related conditions. Algorithms developed to predict the effect of sequence changes on RNA splicing suggest that this variant may disrupt the consensus splice site. In summary, the currently available evidence indicates that the variant is pathogenic, but additional data are needed to prove that conclusively. Therefore, this variant has been classified as Likely Pathogenic.

Literature cited by the submitters: PubMed 16199547 (cited by Labcorp Genetics (formerly Invitae), Labcorp); PubMed 23339108 (cited by Labcorp Genetics (formerly Invitae), Labcorp); PubMed 32753734 (cited by Labcorp Genetics (formerly Invitae), Labcorp); PubMed 33755199 (cited by Labcorp Genetics (formerly Invitae), Labcorp).